The following is an entry in ClinVar:

NM_002755.4(MAP2K1):c.914G>A (p.Arg305Gln)

Gene: MAP2K1 (mitogen-activated protein kinase kinase 1; plus strand). Cytogenetic location: 15q22.31.
Variant type: single nucleotide variant.
Coding change: c.914G>A on transcript NM_002755.4 (MANE Select); coding-DNA position 914, G replaced by A.
Protein change: p.Arg305Gln; replaces arginine 305 with glutamine.
Molecular consequence: missense variant.
Genome position (GRCh38, 1-based): chr15:66,487,246, G>A. VCF-style: chr15-66487246-G-A. GRCh37 (hg19) VCF-style: chr15-66779584-G-A.
Other names: short protein forms R305Q.
Identifiers: ClinVar variation 691444 (VCV000691444.14), dbSNP rs1595887104, ClinGen allele CA392937502.

ClinVar aggregate classification (germline): Uncertain significance. Review status: criteria provided, multiple submitters, no conflicts (2 of 4 stars). 4 submissions from 4 submitters: Uncertain significance (4). Last evaluated 2025-08-28.

Conditions:
Melorheostosis (MEL). Also called: MELORHEOSTOSIS, ISOLATED. Identifiers: Orphanet 2485, MedGen C3149631, MONDO:0007970, OMIM 155950, HP:6000817.
Cardiofaciocutaneous syndrome 3 (CFC3). Also called: MAP2K1-Related Cardiofaciocutaneous Syndrome. Identifiers: Orphanet 1340, MedGen C3809006, MONDO:0014113, OMIM 615279.
Cardiovascular phenotype. Identifiers: MedGen CN230736.
RASopathy. Also called: rasopathies; Noonan spectrum disorder. Identifiers: Orphanet 536391, MedGen C5555857, MONDO:0021060.

Allele frequency attached by ClinVar (database versions not stated): TOPMed below 0.00001; gnomAD exomes below 0.00001.
gnomAD v4.1: 5 of 1,614,026 alleles (0.00031%); highest among the groups gnomAD compares: Non-Finnish European, 0.00042%; no homozygotes.

Submissions (4):

Ambry Genetics
Classification: Uncertain significance for Cardiovascular phenotype. Last evaluated: 2025-08-28. Review status: criteria provided, single submitter. Criteria: Ambry Variant Classification Scheme 2023. Collection method: clinical testing. Allele origin: germline.
Comment: The p.R305Q variant (also known as c.914G>A), located in coding exon 8 of the MAP2K1 gene, results from a G to A substitution at nucleotide position 914. The arginine at codon 305 is replaced by glutamine, an amino acid with highly similar properties. This amino acid position is highly conserved in available vertebrate species. In addition, the in silico prediction for this alteration is inconclusive. Based on the available evidence, the clinical significance of this variant remains unclear.

Labcorp Genetics (formerly Invitae), Labcorp
Classification: Uncertain significance for RASopathy. Last evaluated: 2024-04-29. Review status: criteria provided, single submitter. Criteria: Invitae Variant Classification Sherloc (09022015). Collection method: clinical testing. Allele origin: germline.
Comment: This sequence change replaces arginine, which is basic and polar, with glutamine, which is neutral and polar, at codon 305 of the MAP2K1 protein (p.Arg305Gln). This variant is not present in population databases (gnomAD no frequency). This variant has not been reported in the literature in individuals affected with MAP2K1-related conditions. ClinVar contains an entry for this variant (Variation ID: 691444). Advanced modeling of protein sequence and biophysical properties (such as structural, functional, and spatial information, amino acid conservation, physicochemical variation, residue mobility, and thermodynamic stability) performed at Invitae indicates that this missense variant is not expected to disrupt MAP2K1 protein function with a negative predictive value of 95%. In summary, the available evidence is currently insufficient to determine the role of this variant in disease. Therefore, it has been classified as a Variant of Uncertain Significance.

Fulgent Genetics
Classification: Uncertain significance for Melorheostosis; Cardiofaciocutaneous syndrome 3. Last evaluated: 2024-04-19. Review status: criteria provided, single submitter. Criteria: ACMG Guidelines, 2015. Collection method: clinical testing. Allele origin: germline.

GeneDx
Classification: Uncertain significance. Last evaluated: 2022-10-18. Review status: criteria provided, single submitter. Criteria: GeneDx Variant Classification Process June 2021. Collection method: clinical testing. Allele origin: germline. Affected: yes.
Comment: Not observed at significant frequency in large population cohorts (gnomAD); Missense variants in this gene are often considered pathogenic (HGMD); In silico analysis supports that this missense variant does not alter protein structure/function; Has not been previously published as a pathogenic or benign germline variant to our knowledge; This variant is associated with the following publications: (PMID: 29493581, 35158933, 29641966)